The following is an entry in ClinVar:

ClinVar aggregate classification (germline): Likely benign. Review status: criteria provided, multiple submitters, no conflicts (2 of 4 stars). 3 submissions from 3 submitters: Likely benign (2). 1 of the submissions does not count toward it. Last evaluated 2025-06-12.

Conditions:
KIDINS220-related disorder. Also called: KIDINS220-related condition.

Allele frequency attached by ClinVar (database versions not stated): TOPMed 0.00001; ESP Exome Variant Server 0.00017; gnomAD exomes 0.00001.

Submissions (3):

Labcorp Genetics (formerly Invitae), Labcorp
Classification: Likely benign. Last evaluated: 2025-06-12. Review status: criteria provided, single submitter. Criteria: Invitae Variant Classification Sherloc (09022015). Collection method: clinical testing. Allele origin: germline.

CeGaT Center for Human Genetics Tuebingen
Classification: Likely benign. Last evaluated: 2022-07-01. Review status: criteria provided, single submitter. Criteria: CeGaT Center For Human Genetics Tuebingen Variant Classification Criteria Version 2. Collection method: clinical testing. Allele origin: germline. Affected: yes. Observed: 1 variant allele.
Comment: KIDINS220: BP4, BP7

PreventionGenetics, part of Exact Sciences
Classification: Likely benign for KIDINS220-related condition. Last evaluated: 2023-06-22. Review status: no assertion criteria provided. Collection method: clinical testing. Allele origin: germline. Not counted in ClinVar's aggregate classification.
Comment: This variant is classified as likely benign based on ACMG/AMP sequence variant interpretation guidelines (Richards et al. 2015 PMID: 25741868, with internal and published modifications).

NM_020738.4(KIDINS220):c.387T>C (p.Asn129=)

Gene: KIDINS220 (kinase D interacting substrate 220; minus strand). Cytogenetic location: 2p25.1.
Variant type: single nucleotide variant.
Coding change: c.387T>C on transcript NM_020738.4 (MANE Select); coding-DNA position 387, T replaced by C.
Protein change: p.Asn129=; no amino-acid change (asparagine 129 retained).
Molecular consequence: synonymous variant. On other transcripts: non-coding transcript variant (2).
Genome position (GRCh38, 1-based): chr2:8,813,255, A>G on the plus strand (T>C on the coding strand, the complement: KIDINS220 is on the minus strand). VCF-style: chr2-8813255-A-G. GRCh37 (hg19) VCF-style: chr2-8953385-A-G.
Other names: c.387T>C, p.Asn129= (NM_001348731.2, NM_001348732.2, NM_001348734.2 and 9 more transcripts); c.261T>C, p.Asn87= (NM_001348736.2); c.387T>C (NM_020738.2).
Identifiers: ClinVar variation 2650662 (VCV002650662.25), dbSNP rs374596032, ClinGen allele CA1520445.